The following is an entry in ClinVar:

ClinVar aggregate classification (germline): Conflicting classifications of pathogenicity. Review status: criteria provided, conflicting classifications (1 of 4 stars). 5 submissions from 5 submitters: Uncertain significance (4); Likely benign (1). Last evaluated 2026-08-06.

Conditions:
Cardiovascular phenotype. Identifiers: MedGen CN230736.
Ehlers-Danlos syndrome, classic type, 1 (EDSCL1). Also called: Ehlers-Danlos syndrome, type 1; EDS I; EHLERS-DANLOS SYNDROME, GRAVIS TYPE; EHLERS-DANLOS SYNDROME, SEVERE CLASSIC TYPE; Ehlers-Danlos Syndrome, Classic Type, COL5A1-Related. Identifiers: MedGen C0268335, MONDO:0019567, OMIM 130000.
Osteogenesis imperfecta type I (OI1). Also called: Lobstein's Disease; OI, TYPE I; OSTEOGENESIS IMPERFECTA TARDA; OSTEOGENESIS IMPERFECTA WITH BLUE SCLERAE; Lobstein disease; Osteogenesis imperfecta type 1. Identifiers: Orphanet 216796, Orphanet 666, MedGen C0023931, MONDO:0008146, OMIM 166200. Disease mechanism: loss of function.

Allele frequency attached by ClinVar (database versions not stated): ExAC 0.00003; TOPMed 0.00003; gnomAD exomes 0.00004; gnomAD 0.00005 and 0.00006.
gnomAD v4.1: 65 of 1,613,968 alleles (0.004%); highest among the groups gnomAD compares: Non-Finnish European, 0.005%; no homozygotes.

Submissions (5):

GeneDx
Classification: Uncertain significance. Last evaluated: 2026-08-06. Review status: criteria provided, single submitter. Criteria: GeneDx Variant Classification Process June 2021. Collection method: clinical testing. Allele origin: germline.
Comment: In silico analysis supports that this missense variant has a deleterious effect on protein structure/function; Occurs in the triple helical domain at the X position in the canonical Gly-X-Y repeat; although this variant may have an effect on normal protein folding and function, missense substitution at the X position is not a common mechanism of disease (HGMD); This variant is associated with the following publications: (PMID: 29970176, 35723357, 37810882, 31447884)

Labcorp Genetics (formerly Invitae), Labcorp
Classification: Uncertain significance for Osteogenesis imperfecta type I; Ehlers-Danlos syndrome, classic type, 1. Last evaluated: 2025-12-08. Review status: criteria provided, single submitter. Criteria: Invitae Variant Classification Sherloc (09022015). Collection method: clinical testing. Allele origin: germline.
Comment: This sequence change replaces glutamic acid, which is acidic and polar, with alanine, which is neutral and non-polar, at codon 881 of the COL1A2 protein (p.Glu881Ala). This variant is present in population databases (rs751201659, gnomAD 0.008%). This missense change has been observed in individual(s) with osteogenesis imperfecta and/or osteogenesis imperfecta, Ehlers-Danlos syndrome (PMID: 31447884, 35723357; internal data). ClinVar contains an entry for this variant (Variation ID: 388166). Invitae Evidence Modeling of protein sequence and biophysical properties (such as structural, functional, and spatial information, amino acid conservation, physicochemical variation, residue mobility, and thermodynamic stability) indicates that this missense variant is not expected to disrupt COL1A2 protein function with a negative predictive value of 80%. In summary, the available evidence is currently insufficient to determine the role of this variant in disease. Therefore, it has been classified as a Variant of Uncertain Significance.

CeGaT Center for Human Genetics Tuebingen
Classification: Uncertain significance. Last evaluated: 2025-10-01. Review status: criteria provided, single submitter. Criteria: CeGaT Center For Human Genetics Tuebingen Variant Classification Criteria Version 2. Collection method: clinical testing. Allele origin: germline. Affected: yes. Observed: 3 variant alleles.

Blueprint Genetics
Classification: Likely benign. Last evaluated: 2024-04-19. Review status: criteria provided, single submitter. Criteria: ACMG Guidelines, 2015. Collection method: clinical testing. Allele origin: germline.

Ambry Genetics
Classification: Uncertain significance for Cardiovascular phenotype. Last evaluated: 2023-12-15. Review status: criteria provided, single submitter. Criteria: Ambry Variant Classification Scheme 2023. Collection method: clinical testing. Allele origin: germline.
Comment: The p.E881A variant (also known as c.2642A>C), located in coding exon 41 of the COL1A2 gene, results from an A to C substitution at nucleotide position 2642. The glutamic acid at codon 881 is replaced by alanine, an amino acid with dissimilar properties. This alteration has been reported in association with osteogenesis imperfecta (Zhytnik L et al. Front Genet, 2019 Aug;10:722; Junkiert-Czarnecka A et al. Curr Issues Mol Biol, 2022 Mar;44:1472-1478; Saaciska K et al. Front Endocrinol (Lausanne), 2023 Sep;14:1149982). This amino acid position is well conserved in available vertebrate species. In addition, this alteration is predicted to be deleterious by in silico analysis. Since supporting evidence is limited at this time, the clinical significance of this alteration remains unclear.

Literature cited by the submitters: PubMed 31447884 (cited by Labcorp Genetics (formerly Invitae), Labcorp and Ambry Genetics); PubMed 35723357 (cited by Labcorp Genetics (formerly Invitae), Labcorp and Ambry Genetics); PubMed 37810882 (cited by Ambry Genetics).

NM_000089.4(COL1A2):c.2642A>C (p.Glu881Ala)

Gene: COL1A2 (collagen type I alpha 2 chain; plus strand). Cytogenetic location: 7q21.3.
Variant type: single nucleotide variant.
Coding change: c.2642A>C on transcript NM_000089.4 (MANE Select); coding-DNA position 2642, A replaced by C.
Protein change: p.Glu881Ala; replaces glutamic acid 881 with alanine.
Molecular consequence: missense variant.
Genome position (GRCh38, 1-based): chr7:94,424,412, A>C. VCF-style: chr7-94424412-A-C. GRCh37 (hg19) VCF-style: chr7-94053724-A-C.
Other names: short protein forms E881A.
Identifiers: ClinVar variation 388166 (VCV000388166.50), dbSNP rs751201659, ClinGen allele CA4347514.